The following is an entry in ClinVar:

NM_178857.6(RP1L1):c.230G>A (p.Gly77Glu)

Gene: RP1L1 (RP1 like 1). Cytogenetic location: 8p23.1.
Variant type: single nucleotide variant.
Coding change: c.230G>A on transcript NM_178857.6 (MANE Select); coding-DNA position 230, G replaced by A.
Protein change: p.Gly77Glu; replaces glycine 77 with glutamic acid.
Molecular consequence: missense variant.
Genome position (GRCh38, 1-based): chr8:10,622,972, C>T on the plus strand (G>A on the coding strand, the complement: RP1L1 is on the minus strand). VCF-style: chr8-10622972-C-T. GRCh37 (hg19) VCF-style: chr8-10480482-C-T.
Other names: c.230G>A (NM_178857.5); short protein forms G77E.
Identifiers: ClinVar variation 1467987 (VCV001467987.10), dbSNP rs764424188, ClinGen allele CA4625808.

ClinVar aggregate classification (germline): Uncertain significance. Review status: criteria provided, multiple submitters, no conflicts (2 of 4 stars). 3 submissions from 3 submitters: Uncertain significance (3). Last evaluated 2026-07-08.

Conditions:
RP1L1-related disorder. Also called: RP1L1-related condition.

Allele frequency attached by ClinVar (database versions not stated): gnomAD 0.00004; gnomAD exomes 0.00007 and 0.00002; ExAC 0.00001; TOPMed 0.00003.
gnomAD v4.1: 111 of 1,613,964 alleles (0.0069%); highest among the groups gnomAD compares: Non-Finnish European, 0.0081%; no homozygotes.

Submissions (3):

PreventionGenetics, part of Exact Sciences
Classification: Uncertain significance for RP1L1-related condition. Last evaluated: 2026-07-08. Review status: criteria provided, single submitter. Criteria: ACMG Guidelines, 2015. Collection method: clinical testing. Allele origin: germline.
Comment: The RP1L1 c.230G>A variant is predicted to result in the amino acid substitution p.Gly77Glu. To our knowledge, this variant has not been reported in the literature. This variant is present in 0.0057% of alleles in individuals of Latino descent in gnomAD. At this time, the clinical significance of this variant is uncertain due to the absence of conclusive functional and genetic evidence.

Labcorp Genetics (formerly Invitae), Labcorp
Classification: Uncertain significance. Last evaluated: 2025-08-31. Review status: criteria provided, single submitter. Criteria: Invitae Variant Classification Sherloc (09022015). Collection method: clinical testing. Allele origin: germline.
Comment: This sequence change replaces glycine, which is neutral and non-polar, with glutamic acid, which is acidic and polar, at codon 77 of the RP1L1 protein (p.Gly77Glu). This variant is present in population databases (rs764424188, gnomAD 0.006%). This variant has not been reported in the literature in individuals affected with RP1L1-related conditions. ClinVar contains an entry for this variant (Variation ID: 1467987). Invitae Evidence Modeling of protein sequence and biophysical properties (such as structural, functional, and spatial information, amino acid conservation, physicochemical variation, residue mobility, and thermodynamic stability) has been performed for this missense variant. However, the output from this modeling did not meet the statistical confidence thresholds required to predict the impact of this variant on RP1L1 protein function. In summary, the available evidence is currently insufficient to determine the role of this variant in disease. Therefore, it has been classified as a Variant of Uncertain Significance.

Blueprint Genetics
Classification: Uncertain significance. Last evaluated: 2023-08-18. Review status: criteria provided, single submitter. Criteria: ACMG Guidelines, 2015. Collection method: clinical testing. Allele origin: germline.